The following is an entry in ClinVar:

ClinVar aggregate classification (germline): Uncertain significance (1 of 4 stars; one submission).

gnomAD v4.1: 8 of 152,228 alleles (0.0053%); highest among the groups gnomAD compares: African/African-American, 0.017%; no homozygotes.

Submission:

Greenwood Genetic Center Diagnostic Laboratories, Greenwood Genetic Center
Classification: Uncertain significance. Last evaluated: 2025-05-14. Review status: criteria provided, single submitter. Criteria: ACMG Guidelines, 2015. Collection method: clinical testing. Allele origin: germline. Affected: yes.
Comment: PM2, PP3

NM_139159.5(DPP9):c.1013-181C>T

Gene: DPP9 (dipeptidyl peptidase 9; minus strand). Cytogenetic location: 19p13.3.
Variant type: single nucleotide variant.
Coding change: c.1013-181C>T on transcript NM_139159.5 (MANE Select); 181 bases into the intron before coding-DNA position 1013, C replaced by T.
Molecular consequence: intron variant.
Genome position (GRCh38, 1-based): chr19:4,700,458, G>A on the plus strand (C>T on the coding strand, the complement: DPP9 is on the minus strand). VCF-style: chr19-4700458-G-A. GRCh37 (hg19) VCF-style: chr19-4700470-G-A.
Other names: c.1013-181C>T (NM_001384615.1, NM_001384620.1, NM_001384618.1 and 16 more transcripts); c.980-181C>T (NM_001384619.1); c.1012+1569C>T (NM_001384631.1, NM_001384635.1); c.926-181C>T (NM_001384625.1, NM_001384623.1, NM_001384626.1 and 4 more transcripts).
Identifiers: ClinVar variation 4538239 (VCV004538239.1).